The following is an entry in ClinVar:

NM_003919.3(SGCE):c.1042_1043del (p.Lys348fs)

Genes: CASD1 (CAS1 domain sialic acid O acetyltransferase 1; plus strand), SGCE (sarcoglycan epsilon; minus strand). Cytogenetic location: 7q21.3.
Variant type: Deletion.
Coding change: c.1042_1043del on transcript NM_003919.3 (MANE Select); coding-DNA positions 1042 to 1043, 2 bases deleted (AA; older notation c.1042_1043delAA).
Protein change: p.Lys348fs; shifts the reading frame from lysine 348.
Molecular consequence: frameshift variant. On other transcripts: intron variant (6).
Genome position (GRCh38, 1-based): chr7:94,599,718-94,599,719, TT deleted on the plus strand (AA on the coding strand, the reverse complement: SGCE is on the minus strand); deleting any 2 consecutive bases within chr7:94,599,718-94,599,721 gives the same sequence; the c. name uses the placement nearest the transcript's 3' end. VCF-style (leftmost placement, unchanged base first): chr7-94599717-CTT-C. GRCh37 (hg19) VCF-style: chr7-94229029-CTT-C.
Other names: c.769_770del, p.Lys257fs (NM_001346720.2); c.915-756_915-755del (NM_001362809.2); c.1038-756_1038-755del (NM_001346717.2, NM_001099400.2); c.1146-756_1146-755del (NM_001346715.2); c.951-756_951-755del (NM_001362807.2); c.765-756_765-755del (NM_001362808.2); c.1042_1043del, p.Lys348fs (NM_001099401.2); c.919_920del, p.Lys307fs (NM_001301139.2); and 2 more; short protein forms K319fs, K307fs, K384fs, K257fs, K348fs.
Identifiers: ClinVar variation 2710355 (VCV002710355.3), dbSNP rs2484932535, ClinGen allele CA2697557427.

ClinVar aggregate classification (germline): Pathogenic (1 of 4 stars; one submission).

Conditions:
Myoclonic dystonia 11 (DYT11). Also called: DYT-SGCE; Myoclonic dystonia; Dystonia 11; Dystonia, alcohol responsive; Hereditary essential myoclonus; SGCE Myoclonus-Dystonia. Identifiers: Orphanet 36899, MedGen C1834570, MONDO:0008044, OMIM 159900.

Submission:

Labcorp Genetics (formerly Invitae), Labcorp
Classification: Pathogenic for Myoclonic dystonia 11. Last evaluated: 2023-06-10. Review status: criteria provided, single submitter. Criteria: Invitae Variant Classification Sherloc (09022015). Collection method: clinical testing. Allele origin: germline.
Comment: For these reasons, this variant has been classified as Pathogenic. This variant has not been reported in the literature in individuals affected with SGCE-related conditions. This variant is not present in population databases (gnomAD no frequency). This sequence change creates a premature translational stop signal (p.Lys348Glufs*30) in the SGCE gene. It is expected to result in an absent or disrupted protein product. Loss-of-function variants in SGCE are known to be pathogenic (PMID: 12821748, 15389977, 17853490, 24297365).

Literature cited by the submitters: PubMed 12821748; PubMed 15389977; PubMed 17853490; PubMed 24297365.